The following is an entry in ClinVar:

ClinVar aggregate classification (germline): Likely pathogenic (1 of 4 stars; one submission).

Submission:

Labcorp Genetics (formerly Invitae), Labcorp
Classification: Likely pathogenic. Last evaluated: 2023-02-14. Review status: criteria provided, single submitter. Criteria: Invitae Variant Classification Sherloc (09022015). Collection method: clinical testing. Allele origin: germline.
Comment: In summary, the currently available evidence indicates that the variant is pathogenic, but additional data are needed to prove that conclusively. Therefore, this variant has been classified as Likely Pathogenic. Algorithms developed to predict the effect of sequence changes on RNA splicing suggest that this variant may disrupt the consensus splice site. This variant has not been reported in the literature in individuals affected with NEU1-related conditions. This variant is not present in population databases (gnomAD no frequency). This sequence change affects a donor splice site in intron 3 of the NEU1 gene. It is expected to disrupt RNA splicing. Variants that disrupt the donor or acceptor splice site typically lead to a loss of protein function (PMID: 16199547), and loss-of-function variants in NEU1 are known to be pathogenic (PMID: 11063730, 14517945).

Literature cited by the submitters: PubMed 16199547; PubMed 11063730; PubMed 14517945.

NM_000434.4(NEU1):c.615+1G>C

Gene: NEU1 (neuraminidase 1; minus strand). Cytogenetic location: 6p21.33.
Variant type: single nucleotide variant.
Coding change: c.615+1G>C on transcript NM_000434.4 (MANE Select); the canonical splice donor site of the intron after coding-DNA position 615, G replaced by C.
Molecular consequence: splice donor variant.
Genome position (GRCh38, 1-based): chr6:31,861,187, C>G on the plus strand (G>C on the coding strand, the complement: NEU1 is on the minus strand). VCF-style: chr6-31861187-C-G. GRCh37 (hg19) VCF-style: chr6-31828964-C-G.
Identifiers: ClinVar variation 2836903 (VCV002836903.3), dbSNP rs2481401336, ClinGen allele CA363493325.